The following is an entry in ClinVar:

NM_001793.6(CDH3):c.1355G>A (p.Gly452Asp)

Gene: CDH3 (cadherin 3; plus strand). Cytogenetic location: 16q22.1.
Variant type: single nucleotide variant.
Coding change: c.1355G>A on transcript NM_001793.6 (MANE Select); coding-DNA position 1355, G replaced by A.
Protein change: p.Gly452Asp; replaces glycine 452 with aspartic acid.
Molecular consequence: missense variant.
Genome position (GRCh38, 1-based): chr16:68,684,755, G>A. VCF-style: chr16-68684755-G-A. GRCh37 (hg19) VCF-style: chr16-68718658-G-A.
Other names: c.1355G>A, p.Gly452Asp (NM_001317195.3); c.1190G>A, p.Gly397Asp (NM_001317196.2); short protein forms G452D, G397D.
Identifiers: ClinVar variation 1916799 (VCV001916799.4), dbSNP rs1361664647, ClinGen allele CA396454078.

ClinVar aggregate classification (germline): Uncertain significance (1 of 4 stars; one submission).

Allele frequency attached by ClinVar (database versions not stated): gnomAD exomes below 0.00001.
gnomAD v4.1: 6 of 1,614,154 alleles (0.00037%); highest among the groups gnomAD compares: Non-Finnish European, 0.00051%; no homozygotes.

Submission:

Labcorp Genetics (formerly Invitae), Labcorp
Classification: Uncertain significance. Last evaluated: 2025-07-31. Review status: criteria provided, single submitter. Criteria: Invitae Variant Classification Sherloc (09022015). Collection method: clinical testing. Allele origin: germline.
Comment: This sequence change replaces glycine, which is neutral and non-polar, with aspartic acid, which is acidic and polar, at codon 452 of the CDH3 protein (p.Gly452Asp). This variant is present in population databases (no rsID available, gnomAD 0.0009%). This variant has not been reported in the literature in individuals affected with CDH3-related conditions. ClinVar contains an entry for this variant (Variation ID: 1916799). An algorithm developed to predict the effect of missense changes on protein structure and function outputs the following: PolyPhen-2: "Benign". The aspartic acid amino acid residue is found in multiple mammalian species, which suggests that this missense change does not adversely affect protein function. In summary, the available evidence is currently insufficient to determine the role of this variant in disease. Therefore, it has been classified as a Variant of Uncertain Significance.